The following is an entry in ClinVar:

NM_000316.3(PTH1R):c.1531C>G (p.Arg511Gly)

Gene: PTH1R (parathyroid hormone 1 receptor; plus strand). Cytogenetic location: 3p21.31.
Variant type: single nucleotide variant.
Coding change: c.1531C>G on transcript NM_000316.3 (MANE Select); coding-DNA position 1531, C replaced by G.
Protein change: p.Arg511Gly; replaces arginine 511 with glycine.
Molecular consequence: missense variant.
Genome position (GRCh38, 1-based): chr3:46,903,405, C>G. VCF-style: chr3-46903405-C-G. GRCh37 (hg19) VCF-style: chr3-46944895-C-G.
Other names: c.1531C>G, p.Arg511Gly (NM_001184744.1); c.1531C>G (NM_000316.2); short protein forms R511G.
Identifiers: ClinVar variation 1351330 (VCV001351330.8), dbSNP rs1575526869, ClinGen allele CA352503778.
Genomic context (GRCh38, chr3:46,903,405, plus strand): 5'-AGCAGCAGCTATAGCTACGGCCCCATGGTGTCCCACACAAGTGTGACCAATGTCGGCCCC[C>G]GTGTGGGACTCGGCCTGCCCCTCAGCCCCCGCCTACTGCCCACTGCCACCACCAACGGCC-3'
Protein context (NP_000307.1, residues 501-521): SHTSVTNVGP[Arg511Gly]VGLGLPLSPR

ClinVar aggregate classification (germline): Uncertain significance. Review status: criteria provided, multiple submitters, no conflicts (2 of 4 stars). 3 submissions from 3 submitters: Uncertain significance (3). Last evaluated 2025-03-26.

Conditions:
Inborn genetic diseases. Identifiers: MedGen C0950123, MeSH D030342.
Primary failure of tooth eruption. Also called: PRIMARY RETENTION OF TEETH; UNERUPTED SECOND PRIMARY MOLAR; POSTERIOR OPENBITE MALOCCLUSION, FAMILIAL; DENTAL NONERUPTION. Identifiers: Orphanet 412206, MedGen C1852222, MONDO:0007434, OMIM 125350.
Chondrodysplasia Blomstrand type (BOCD). Identifiers: Orphanet 50945, MedGen C1859148, MONDO:0008970, OMIM 215045.
Eiken syndrome (EKNS). Also called: BONE MODELING DEFECT OF HANDS AND FEET. Identifiers: Orphanet 79106, MedGen C1838779, MONDO:0010803, OMIM 600002.
Metaphyseal chondrodysplasia, Jansen type. Also called: Metaphyseal chondrodysplasia Murk Jansen type; PTH1R-Related Jansen Metaphyseal Chondrodysplasia. Identifiers: Orphanet 33067, MedGen C0265295, MONDO:0007982, OMIM 156400.

gnomAD v4.1: 3 of 1,613,342 alleles (0.00019%); highest among the groups gnomAD compares: Non-Finnish European, 0.00025%; no homozygotes.

Submissions (3):

Labcorp Genetics (formerly Invitae), Labcorp
Classification: Uncertain significance. Last evaluated: 2025-03-26. Review status: criteria provided, single submitter. Criteria: Invitae Variant Classification Sherloc (09022015). Collection method: clinical testing. Allele origin: germline.
Comment: This sequence change replaces arginine, which is basic and polar, with glycine, which is neutral and non-polar, at codon 511 of the PTH1R protein (p.Arg511Gly). This variant is not present in population databases (gnomAD no frequency). This variant has not been reported in the literature in individuals affected with PTH1R-related conditions. ClinVar contains an entry for this variant (Variation ID: 1351330). Invitae Evidence Modeling of protein sequence and biophysical properties (such as structural, functional, and spatial information, amino acid conservation, physicochemical variation, residue mobility, and thermodynamic stability) indicates that this missense variant is not expected to disrupt PTH1R protein function with a negative predictive value of 80%. In summary, the available evidence is currently insufficient to determine the role of this variant in disease. Therefore, it has been classified as a Variant of Uncertain Significance.

Ambry Genetics
Classification: Uncertain significance for Inborn genetic diseases. Last evaluated: 2025-03-06. Review status: criteria provided, single submitter. Criteria: Ambry Variant Classification Scheme 2023. Collection method: clinical testing. Allele origin: germline.

Fulgent Genetics
Classification: Uncertain significance for Primary failure of tooth eruption; Metaphyseal chondrodysplasia, Jansen type; Chondrodysplasia Blomstrand type; Eiken syndrome. Last evaluated: 2021-10-20. Review status: criteria provided, single submitter. Criteria: ACMG Guidelines, 2015. Collection method: clinical testing. Allele origin: unknown.